The following is an entry in ClinVar:

NM_033004.4(NLRP1):c.1439G>A (p.Gly480Glu)

Gene: NLRP1 (NLR family pyrin domain containing 1; minus strand). Cytogenetic location: 17p13.2.
Variant type: single nucleotide variant.
Coding change: c.1439G>A on transcript NM_033004.4 (MANE Select); coding-DNA position 1439, G replaced by A.
Protein change: p.Gly480Glu; replaces glycine 480 with glutamic acid.
Molecular consequence: missense variant.
Genome position (GRCh38, 1-based): chr17:5,559,257, C>T on the plus strand (G>A on the coding strand, the complement: NLRP1 is on the minus strand). VCF-style: chr17-5559257-C-T. GRCh37 (hg19) VCF-style: chr17-5462577-C-T.
Other names: c.1439G>A, p.Gly480Glu (NM_001033053.3, NM_014922.5, NM_033006.4 and 1 more transcripts); short protein forms G480E.
Identifiers: ClinVar variation 1988190 (VCV001988190.4), dbSNP rs1478320178, ClinGen allele CA397385858.

ClinVar aggregate classification (germline): Uncertain significance (1 of 4 stars; one submission).

Allele frequency attached by ClinVar (database versions not stated): gnomAD exomes below 0.00001; gnomAD 0.00001; TOPMed 0.00002.
gnomAD v4.1: 4 of 1,614,024 alleles (0.00025%); highest among the groups gnomAD compares: African/African-American, 0.0013%; no homozygotes.

Submission:

Labcorp Genetics (formerly Invitae), Labcorp
Classification: Uncertain significance. Last evaluated: 2025-08-25. Review status: criteria provided, single submitter. Criteria: Invitae Variant Classification Sherloc (09022015). Collection method: clinical testing. Allele origin: germline.
Comment: This sequence change replaces glycine, which is neutral and non-polar, with glutamic acid, which is acidic and polar, at codon 480 of the NLRP1 protein (p.Gly480Glu). This variant is not present in population databases (gnomAD no frequency). This variant has not been reported in the literature in individuals affected with NLRP1-related conditions. ClinVar contains an entry for this variant (Variation ID: 1988190). An algorithm developed to predict the effect of missense changes on protein structure and function (PolyPhen-2) suggests that this variant is likely to be disruptive. In summary, the available evidence is currently insufficient to determine the role of this variant in disease. Therefore, it has been classified as a Variant of Uncertain Significance.